The following is an entry in ClinVar:

NM_001161352.2(KCNMA1):c.2656C>T (p.Leu886Phe)

Genes: KCNMA1 (potassium calcium-activated channel subfamily M alpha 1; minus strand), KCNMA1-AS1 (KCNMA1 antisense RNA 1; plus strand). Cytogenetic location: 10q22.3.
Variant type: single nucleotide variant.
Coding change: c.2656C>T on transcript NM_001161352.2 (MANE Select); coding-DNA position 2656, C replaced by T.
Protein change: p.Leu886Phe; replaces leucine 886 with phenylalanine.
Molecular consequence: missense variant.
Genome position (GRCh38, 1-based): chr10:76,949,195, G>A on the plus strand (C>T on the coding strand, the complement: KCNMA1 is on the minus strand). VCF-style: chr10-76949195-G-A. GRCh37 (hg19) VCF-style: chr10-78708953-G-A.
Other names: c.2494C>T, p.Leu832Phe (NM_001014797.3, NM_001322835.2, NM_001322837.2); c.2605C>T, p.Leu869Phe (NM_001161353.2); c.2332C>T, p.Leu778Phe (NM_001271518.2); c.2491C>T, p.Leu831Phe (NM_001271519.2, NM_001322829.2, NM_001322836.2); c.2503C>T, p.Leu835Phe (NM_001322830.2); c.2482C>T, p.Leu828Phe (NM_001322832.2, NM_002247.4); c.2029C>T, p.Leu677Phe (NM_001322838.2); short protein forms L831F, L677F, L828F, L869F, L886F, L778F, L832F, L835F.
Identifiers: ClinVar variation 1422242 (VCV001422242.8), dbSNP rs2152943139, ClinGen allele CA377406174.

ClinVar aggregate classification (germline): Uncertain significance (1 of 4 stars; one submission).

Conditions:
Generalized epilepsy-paroxysmal dyskinesia syndrome (PNKD3). Also called: Generalized epilepsy and paroxysmal dyskinesia; Paroxysmal nonkinesigenic dyskinesia, 3, with or without generalized epilepsy. Identifiers: Orphanet 79137, MedGen C5574945, MONDO:0012276, OMIM 609446.

Submission:

Labcorp Genetics (formerly Invitae), Labcorp
Classification: Uncertain significance for Generalized epilepsy-paroxysmal dyskinesia syndrome. Last evaluated: 2020-11-11. Review status: criteria provided, single submitter. Criteria: Invitae Variant Classification Sherloc (09022015). Collection method: clinical testing. Allele origin: germline.
Comment: In summary, the available evidence is currently insufficient to determine the role of this variant in disease. Therefore, it has been classified as a Variant of Uncertain Significance. Algorithms developed to predict the effect of missense changes on protein structure and function are either unavailable or do not agree on the potential impact of this missense change (SIFT: "Deleterious"; PolyPhen-2: "Possibly Damaging"; Align-GVGD: "Class C0"). This variant has not been reported in the literature in individuals with KCNMA1-related conditions. This variant is not present in population databases (ExAC no frequency). This sequence change replaces leucine with phenylalanine at codon 828 of the KCNMA1 protein (p.Leu828Phe). The leucine residue is highly conserved and there is a small physicochemical difference between leucine and phenylalanine.